The following is an entry in ClinVar:

NM_002098.6(GUCA1B):c.155AGG[1] (p.Glu53del)

Gene: GUCA1B (guanylate cyclase activator 1B; minus strand). Cytogenetic location: 6p21.1.
Variant type: Microsatellite.
Coding change: c.155AGG[1] on transcript NM_002098.6 (MANE Select); one copy of the 3-base unit AGG starting at c.155; the reference has two copies in a row; one copy, 3 bases deleted.
Protein change: p.Glu53del; deletes glutamic acid 53.
Molecular consequence: inframe deletion.
Genome position (GRCh38, 1-based): chr6:42,194,661-42,194,663, CCT deleted on the plus strand (AGG on the coding strand, the reverse complement: GUCA1B is on the minus strand); deleting any 3 consecutive bases within chr6:42,194,661-42,194,667 gives the same sequence; the position shown is the placement nearest the transcript's 3' end. VCF-style (leftmost placement, unchanged base first): chr6-42194660-GCCT-G. GRCh37 (hg19) VCF-style: chr6-42162398-GCCT-G.
Other names: short protein forms E53del.
Identifiers: ClinVar variation 2081775 (VCV002081775.4), dbSNP rs1167309119, ClinGen allele CA567149199.
Genomic context (GRCh38, chr6:42,194,660, plus strand): 5'-TCAGGGTGCCTTACCCCATTCTTGTCGAAGGCTCGGAACATGCCCTCTACATACTGGGAG[GCCT>G]CCTCATCGTCTGTGACCTTGAAGAAGCGCTTAAACTCATGCATAAAGAGTGTGCCGCTGG-3'

ClinVar aggregate classification (germline): Uncertain significance (1 of 4 stars; one submission).

Submission:

Labcorp Genetics (formerly Invitae), Labcorp
Classification: Uncertain significance. Last evaluated: 2022-03-23. Review status: criteria provided, single submitter. Criteria: Invitae Variant Classification Sherloc (09022015). Collection method: clinical testing. Allele origin: germline.
Comment: This variant, c.158_160del, results in the deletion of 1 amino acid(s) of the GUCA1B protein (p.Glu53del), but otherwise preserves the integrity of the reading frame. This variant is present in population databases (no rsID available, gnomAD 0.009%). This variant has not been reported in the literature in individuals affected with GUCA1B-related conditions. Experimental studies and prediction algorithms are not available or were not evaluated, and the functional significance of this variant is currently unknown. In summary, the available evidence is currently insufficient to determine the role of this variant in disease. Therefore, it has been classified as a Variant of Uncertain Significance.